The following is an entry in ClinVar:

ClinVar aggregate classification (germline): Likely benign. Review status: criteria provided, multiple submitters, no conflicts (2 of 4 stars). 2 submissions from 2 submitters: Likely benign (2). Last evaluated 2025-11-25.

Conditions:
MYH7B-related disorder. Also called: MYH7B-related condition.

Allele frequency attached by ClinVar (database versions not stated): gnomAD exomes 0.00010 and 0.00024; ExAC 0.00035; 1000 Genomes Project 0.00040; 1000 Genomes Project 30x 0.00047; gnomAD 0.00101 and 0.00110; TOPMed 0.00118; ESP Exome Variant Server 0.00140.
gnomAD v4.1: 303 of 1,607,442 alleles (0.019%); highest among the groups gnomAD compares: African/African-American, 0.36%; no homozygotes.

Submissions (2):

Labcorp Genetics (formerly Invitae), Labcorp
Classification: Likely benign. Last evaluated: 2025-11-25. Review status: criteria provided, single submitter. Criteria: Invitae Variant Classification Sherloc (09022015). Collection method: clinical testing. Allele origin: germline.

PreventionGenetics, part of Exact Sciences
Classification: Likely benign for MYH7B-related condition. Last evaluated: 2025-11-11. Review status: criteria provided, single submitter. Criteria: ACMG Guidelines, 2015. Collection method: clinical testing. Allele origin: germline.
Comment: This variant is classified as likely benign based on ACMG/AMP sequence variant interpretation guidelines (Richards et al. 2015 PMID: 25741868, with internal and published modifications).

NM_020884.7(MYH7B):c.1388T>C (p.Leu463Pro)

Gene: MYH7B (myosin heavy chain 7B; plus strand). Cytogenetic location: 20q11.22.
Variant type: single nucleotide variant.
Coding change: c.1388T>C on transcript NM_020884.7 (MANE Select); coding-DNA position 1388, T replaced by C.
Protein change: p.Leu463Pro; replaces leucine 463 with proline.
Molecular consequence: missense variant.
Genome position (GRCh38, 1-based): chr20:34,987,886, T>C. VCF-style: chr20-34987886-T-C. GRCh37 (hg19) VCF-style: chr20-33575689-T-C.
Other names: c.1514T>C (NM_020884.4); short protein forms L463P.
Identifiers: ClinVar variation 1644216 (VCV001644216.9), dbSNP rs61745057, ClinGen allele CA9826916.